The following is an entry in ClinVar:

ClinVar aggregate classification (germline): Uncertain significance (1 of 4 stars; one submission).

Conditions:
ALG8 congenital disorder of glycosylation. Also called: CONGENITAL DISORDER OF GLYCOSYLATION, TYPE Ih; CDG Ih; ALG8-CDG. Identifiers: Orphanet 79325, MedGen C2931002, MONDO:0011969, OMIM 608104.

Allele frequency attached by ClinVar (database versions not stated): gnomAD below 0.00001 and 0.00001; ExAC 0.00001; gnomAD exomes 0.00001.
gnomAD v4.1: 9 of 1,614,048 alleles (0.00056%); highest among the groups gnomAD compares: South Asian, 0.0077%; no homozygotes.

Submission:

Labcorp Genetics (formerly Invitae), Labcorp
Classification: Uncertain significance for ALG8-CDG. Last evaluated: 2019-08-07. Review status: criteria provided, single submitter. Criteria: Invitae Variant Classification Sherloc (09022015). Collection method: clinical testing. Allele origin: germline.
Comment: This sequence change replaces valine with leucine at codon 477 of the ALG8 protein (p.Val477Leu). The valine residue is weakly conserved and there is a small physicochemical difference between valine and leucine. This variant is present in population databases (rs769413308, ExAC 0.01%). This variant has not been reported in the literature in individuals with ALG8-related conditions. Algorithms developed to predict the effect of missense changes on protein structure and function output the following: SIFT: "Tolerated"; PolyPhen-2: "Benign"; Align-GVGD: "Class C0". The leucine amino acid residue is found in multiple mammalian species, suggesting that this missense change does not adversely affect protein function. These predictions have not been confirmed by published functional studies and their clinical significance is uncertain. In summary, the available evidence is currently insufficient to determine the role of this variant in disease. Therefore, it has been classified as a Variant of Uncertain Significance.

NM_024079.5(ALG8):c.1429G>C (p.Val477Leu)

Gene: ALG8 (ALG8 alpha-1,3-glucosyltransferase; minus strand). Cytogenetic location: 11q14.1.
Variant type: single nucleotide variant.
Coding change: c.1429G>C on transcript NM_024079.5 (MANE Select); coding-DNA position 1429, G replaced by C.
Protein change: p.Val477Leu; replaces valine 477 with leucine.
Molecular consequence: missense variant. On other transcripts: 3 prime UTR variant (1).
Genome position (GRCh38, 1-based): chr11:78,101,116, C>G on the plus strand (G>C on the coding strand, the complement: ALG8 is on the minus strand). VCF-style: chr11-78101116-C-G. GRCh37 (hg19) VCF-style: chr11-77812162-C-G.
Other names: c.*100G>C (NM_001007027.3); short protein forms V477L.
Identifiers: ClinVar variation 939502 (VCV000939502.1), dbSNP rs769413308, ClinGen allele CA6203124.